The following is an entry in ClinVar:

NM_001363540.2(DOCK4):c.5804C>T (p.Ser1935Leu)

Gene: DOCK4 (dedicator of cytokinesis 4; minus strand). Cytogenetic location: 7q31.1.
Variant type: single nucleotide variant.
Coding change: c.5804C>T on transcript NM_001363540.2 (MANE Select); coding-DNA position 5804, C replaced by T.
Protein change: p.Ser1935Leu; replaces serine 1935 with leucine.
Molecular consequence: missense variant.
Genome position (GRCh38, 1-based): chr7:111,728,398, G>A on the plus strand (C>T on the coding strand, the complement: DOCK4 is on the minus strand). VCF-style: chr7-111728398-G-A. GRCh37 (hg19) VCF-style: chr7-111368454-G-A.
Other names: c.5777C>T, p.Ser1926Leu (NM_014705.4); short protein forms S1926L, S1935L.
Identifiers: ClinVar variation 3056048 (VCV003056048.2), dbSNP rs34597439, ClinGen allele CA4441112.

ClinVar aggregate classification (germline): Benign (0 of 4 stars; one submission).

Conditions:
DOCK4-related disorder. Also called: DOCK4-related condition.

Allele frequency attached by ClinVar (database versions not stated): 1000 Genomes Project 0.01558; 1000 Genomes Project 30x 0.01655; ESP Exome Variant Server 0.02703; gnomAD 0.02722; TOPMed 0.02812; ExAC 0.02963.
gnomAD v4.1: 54,676 of 1,562,028 alleles (3.5%); highest among the groups gnomAD compares: Non-Finnish European, 4.2%; 1,169 homozygotes.

Submission:

PreventionGenetics, part of Exact Sciences
Classification: Benign for DOCK4-related condition. Last evaluated: 2023-02-13. Review status: no assertion criteria provided. Collection method: clinical testing. Allele origin: germline.
Comment: This variant is classified as benign based on ACMG/AMP sequence variant interpretation guidelines (Richards et al. 2015 PMID: 25741868, with internal and published modifications).